The following is an entry in ClinVar:

NM_001164665.2(KIAA1549):c.29_31dup (p.Gly10dup)

Gene: KIAA1549 (KIAA1549; minus strand). Cytogenetic location: 7q34.
Variant type: Duplication.
Coding change: c.29_31dup on transcript NM_001164665.2 (MANE Select); coding-DNA positions 29 to 31, 3 bases duplicated (GCG; older notation c.29_31dupGCG).
Protein change: p.Gly10dup; duplicates glycine 10.
Molecular consequence: inframe insertion.
Genome position (GRCh38, 1-based): chr7:138,981,239-138,981,241, CGC duplicated on the plus strand (GCG on the coding strand, the reverse complement: KIAA1549 is on the minus strand); duplicating any 3 consecutive bases within chr7:138,981,239-138,981,242 gives the same sequence; the c. name uses the placement nearest the transcript's 3' end. VCF-style (leftmost placement, unchanged base first): chr7-138981238-G-GCGC. GRCh37 (hg19) VCF-style: chr7-138665984-G-GCGC.
Other names: c.29_31dup, p.Gly10dup (NM_020910.3).
Identifiers: ClinVar variation 1424909 (VCV001424909.8), dbSNP rs2130587865, ClinGen allele CA2573141770.

ClinVar aggregate classification (germline): Uncertain significance (1 of 4 stars; one submission).

Submission:

Labcorp Genetics (formerly Invitae), Labcorp
Classification: Uncertain significance. Last evaluated: 2024-02-24. Review status: criteria provided, single submitter. Criteria: Invitae Variant Classification Sherloc (09022015). Collection method: clinical testing. Allele origin: germline.
Comment: This variant, c.29_31dup, results in the insertion of 1 amino acid(s) of the KIAA1549 protein (p.Gly10dup), but otherwise preserves the integrity of the reading frame. The frequency data for this variant in the population databases is considered unreliable, as metrics indicate insufficient coverage at this position in the gnomAD database. This variant has not been reported in the literature in individuals affected with KIAA1549-related conditions. ClinVar contains an entry for this variant (Variation ID: 1424909). Experimental studies and prediction algorithms are not available or were not evaluated, and the functional significance of this variant is currently unknown. In summary, the available evidence is currently insufficient to determine the role of this variant in disease. Therefore, it has been classified as a Variant of Uncertain Significance.